The following is an entry in ClinVar:

NM_000218.3(KCNQ1):c.556G>C (p.Gly186Arg)

Gene: KCNQ1 (potassium voltage-gated channel subfamily Q member 1; plus strand). Cytogenetic location: 11p15.5.
Variant type: single nucleotide variant.
Coding change: c.556G>C on transcript NM_000218.3 (MANE Select); coding-DNA position 556, G replaced by C.
Protein change: p.Gly186Arg; replaces glycine 186 with arginine.
Molecular consequence: missense variant.
Genome position (GRCh38, 1-based): chr11:2,570,706, G>C. VCF-style: chr11-2570706-G-C. GRCh37 (hg19) VCF-style: chr11-2591936-G-C.
Other names: c.556G>C (LRG_287t1); c.556G>C, p.Gly186Arg (NM_001406836.1); c.286G>C, p.Gly96Arg (NM_001406837.1); c.175G>C, p.Gly59Arg (NM_181798.2); short protein forms G186R, G59R, G96R.
Identifiers: ClinVar variation 53065 (VCV000053065.10), dbSNP rs199473398, ClinGen allele CA007440.

ClinVar aggregate classification (germline): Conflicting classifications of pathogenicity. Review status: criteria provided, conflicting classifications (1 of 4 stars). 3 submissions from 3 submitters: Pathogenic (1); Uncertain significance (1). 1 of the submissions does not count toward it. Last evaluated 2025-08-06.

Conditions:
Familial long QT syndrome (RWS). Also called: Congenital long QT syndrome; Romano-Ward syndrome; VENTRICULAR FIBRILLATION WITH PROLONGED QT INTERVAL. Identifiers: Orphanet 768, MedGen C1141890, MONDO:0019171.
Long QT syndrome (LQTS). Identifiers: MedGen C0023976, MeSH D008133, MONDO:0002442. Disease mechanism: loss of function. Inheritance: Various modes of inheritance.

Submissions (3):

Labcorp Genetics (formerly Invitae), Labcorp
Classification: Pathogenic for Long QT syndrome. Last evaluated: 2025-08-06. Review status: criteria provided, single submitter. Criteria: Invitae Variant Classification Sherloc (09022015). Collection method: clinical testing. Allele origin: germline.
Comment: This sequence change replaces glycine, which is neutral and non-polar, with arginine, which is basic and polar, at codon 186 of the KCNQ1 protein (p.Gly186Arg). This variant is not present in population databases (gnomAD no frequency). This missense change has been observed in individuals with clinical features of long QT syndrome (PMID: 22949429; internal data). ClinVar contains an entry for this variant (Variation ID: 53065). Invitae Evidence Modeling of protein sequence and biophysical properties (such as structural, functional, and spatial information, amino acid conservation, physicochemical variation, residue mobility, and thermodynamic stability) indicates that this missense variant is expected to disrupt KCNQ1 protein function with a positive predictive value of 95%. This variant disrupts the p.Gly186 amino acid residue in KCNQ1. Other variant(s) that disrupt this residue have been determined to be pathogenic (PMID: 26669661, 27041150, 27485560). This suggests that this residue is clinically significant, and that variants that disrupt this residue are likely to be disease-causing. For these reasons, this variant has been classified as Pathogenic.

AiLife Diagnostics
Classification: Uncertain significance. Last evaluated: 2021-10-14. Review status: criteria provided, single submitter. Criteria: ACMG Guidelines, 2015. Collection method: clinical testing. Allele origin: germline. Affected: yes. Observed: 1 variant allele.

Cardiovascular Biomedical Research Unit, Royal Brompton & Harefield NHS Foundation Trust
No classification provided. Condition: Familial long QT syndrome. Review status: no classification provided. Collection method: literature only. Allele origin: germline. Not counted in ClinVar's aggregate classification.
Comment: This variant has been reported as associated with Long QT syndrome in the following publications (PMID:19716085;PMID:19841300). This is a literature report, and does not necessarily reflect the clinical interpretation of the Imperial College / Royal Brompton Cardiovascular Genetics laboratory.

Literature cited by the submitters: PubMed 22949429 (cited by Labcorp Genetics (formerly Invitae), Labcorp and AiLife Diagnostics); PubMed 26669661 (cited by Labcorp Genetics (formerly Invitae), Labcorp); PubMed 27041150 (cited by Labcorp Genetics (formerly Invitae), Labcorp); PubMed 27485560 (cited by Labcorp Genetics (formerly Invitae), Labcorp); PubMed 19716085 (cited by AiLife Diagnostics and Cardiovascular Biomedical Research Unit, Royal Brompton & Harefield NHS Foundation Trust); PubMed 19841300 (cited by Cardiovascular Biomedical Research Unit, Royal Brompton & Harefield NHS Foundation Trust); PubMed 22581653 (cited by Cardiovascular Biomedical Research Unit, Royal Brompton & Harefield NHS Foundation Trust).